The following is an entry in ClinVar:

NM_000179.3(MSH6):c.2945del (p.Pro982fs)

Gene: MSH6 (mutS homolog 6; plus strand). Cytogenetic location: 2p16.3.
Variant type: Deletion.
Coding change: c.2945del on transcript NM_000179.3 (MANE Select); coding-DNA position 2945, one base deleted (C; older notation c.2945delC).
Protein change: p.Pro982fs; shifts the reading frame from proline 982.
Molecular consequence: frameshift variant.
Genome position (GRCh38, 1-based): chr2:47,800,928, C deleted; the last of 2 consecutive C bases (chr2:47,800,927-47,800,928); deleting either gives the same sequence. VCF-style (leftmost placement, unchanged base first): chr2-47800926-TC-T. GRCh37 (hg19) VCF-style: chr2-48028065-TC-T.
Other names: c.2555del, p.Pro852fs (NM_001281492.2); c.2039del, p.Pro680fs (NM_001281493.2, NM_001281494.2); c.2945delC (NM_000179.2); short protein forms P852fs, P680fs.
Identifiers: ClinVar variation 89324 (VCV000089324.14), dbSNP rs587779250, ClinGen allele CA011156.

ClinVar aggregate classification (germline): Pathogenic. Review status: reviewed by expert panel (3 of 4 stars). 5 submissions from 5 submitters: Pathogenic (1). 4 of the submissions do not count toward it. Last evaluated 2013-09-05.

Conditions:
Lynch syndrome. Identifiers: Orphanet 144, MedGen C4552100, MONDO:0005835. Disease mechanism: loss of function.
Hereditary cancer-predisposing syndrome. Also called: Tumor predisposition; Hereditary Cancer Syndrome; Hereditary neoplastic syndrome; Neoplastic Syndromes, Hereditary. Identifiers: Orphanet 140162, MedGen C0027672, MeSH D009386, MONDO:0015356.
Lynch syndrome 5 (LYNCH5). Also called: Colorectal cancer, hereditary nonpolyposis, type 5; Hereditary non-polyposis colorectal cancer, type 5. Identifiers: Orphanet 144, MedGen C1833477, MONDO:0013710, OMIM 614350. Disease mechanism: loss of function.
Hereditary nonpolyposis colorectal neoplasms. Identifiers: MedGen C0009405, MeSH D003123.

Submissions (5):

International Society for Gastrointestinal Hereditary Tumours (InSiGHT)
Classification: Pathogenic for Lynch Syndrome. Last evaluated: 2013-09-05. Review status: reviewed by expert panel. Criteria: Guidelines v1.9. Collection method: research. Allele origin: germline.
Comment: Coding sequence variation resulting in a stop codon

Classified with v1.9 guidelines

Ambry Genetics
Classification: Pathogenic for Hereditary cancer-predisposing syndrome. Last evaluated: 2025-05-09. Review status: criteria provided, single submitter. Criteria: Ambry Variant Classification Scheme 2023. Collection method: clinical testing. Allele origin: germline. Not counted in ClinVar's aggregate classification.
Comment: The c.2945delC pathogenic mutation, located in coding exon 4 of the MSH6 gene, results from a deletion of one nucleotide at nucleotide position 2945, causing a translational frameshift with a predicted alternate stop codon (p.P982Lfs*15). This variant is considered to be rare based on population cohorts in the Genome Aggregation Database (gnomAD). This alteration is expected to result in loss of function by premature protein truncation or nonsense-mediated mRNA decay. As such, this alteration is interpreted as a disease-causing mutation.

Labcorp Genetics (formerly Invitae), Labcorp
Classification: Pathogenic for Hereditary nonpolyposis colorectal neoplasms. Last evaluated: 2024-08-04. Review status: criteria provided, single submitter. Criteria: Invitae Variant Classification Sherloc (09022015). Collection method: clinical testing. Allele origin: germline. Not counted in ClinVar's aggregate classification.
Comment: This sequence change creates a premature translational stop signal (p.Pro982Leufs*15) in the MSH6 gene. It is expected to result in an absent or disrupted protein product. Loss-of-function variants in MSH6 are known to be pathogenic (PMID: 18269114, 24362816). This variant is not present in population databases (gnomAD no frequency). This variant has not been reported in the literature in individuals affected with MSH6-related conditions. ClinVar contains an entry for this variant (Variation ID: 89324). For these reasons, this variant has been classified as Pathogenic.

Myriad Genetics, Inc.
Classification: Pathogenic for Lynch syndrome 5. Last evaluated: 2023-08-21. Review status: criteria provided, single submitter. Criteria: Myriad Autosomal Dominant, Autosomal Recessive and X-Linked Classification Criteria (2023). Collection method: clinical testing. Allele origin: unknown. Not counted in ClinVar's aggregate classification.
Comment: This variant is considered pathogenic. This variant creates a frameshift predicted to result in premature protein truncation.

Color Diagnostics, LLC DBA Color Health
Classification: Pathogenic for Hereditary cancer-predisposing syndrome. Last evaluated: 2016-04-04. Review status: criteria provided, single submitter. Criteria: ACMG Guidelines, 2015. Collection method: clinical testing. Allele origin: germline. Not counted in ClinVar's aggregate classification.
Comment: This variant deletes 1 nucleotide in exon 4 of the MSH6 gene, creating a frameshift and premature translation stop signal. This variant is expected to result in an absent or non-functional protein product. Splice site prediction tools suggest that this variant may not impact RNA splicing. To our knowledge, functional studies have not been performed for this variant. This variant has not been reported in individuals affected with hereditary cancer in the literature. This variant has not been identified in the general population by the Genome Aggregation Database (gnomAD). Loss of MSH6 function is a known mechanism of disease. Based on the available evidence, this variant is classified as Pathogenic.

Literature cited by the submitters: PubMed 30128536 (cited by Ambry Genetics); PubMed 30629138 (cited by Ambry Genetics); PubMed 18269114 (cited by Labcorp Genetics (formerly Invitae), Labcorp); PubMed 24362816 (cited by Labcorp Genetics (formerly Invitae), Labcorp).